The following is an entry in ClinVar:

ClinVar aggregate classification (germline): Uncertain significance. Review status: criteria provided, multiple submitters, no conflicts (2 of 4 stars). 2 submissions from 2 submitters: Uncertain significance (2). Last evaluated 2025-11-13.

Conditions:
Inborn genetic diseases. Identifiers: MedGen C0950123, MeSH D030342.
Fanconi anemia (FA). Also called: Fanconi's anemia. Identifiers: Orphanet 84, MedGen C0015625, MeSH D005199, MONDO:0019391.

Allele frequency attached by ClinVar (database versions not stated): TOPMed 0.00001; gnomAD 0.00001.

Submissions (2):

Ambry Genetics
Classification: Uncertain significance for Inborn genetic diseases. Last evaluated: 2025-11-13. Review status: criteria provided, single submitter. Criteria: Ambry Variant Classification Scheme 2023. Collection method: clinical testing. Allele origin: germline.

Labcorp Genetics (formerly Invitae), Labcorp
Classification: Uncertain significance for Fanconi anemia. Last evaluated: 2019-11-05. Review status: criteria provided, single submitter. Criteria: Invitae Variant Classification Sherloc (09022015). Collection method: clinical testing. Allele origin: germline.
Comment: In summary, the available evidence is currently insufficient to determine the role of this variant in disease. Therefore, it has been classified as a Variant of Uncertain Significance. This sequence change replaces methionine with leucine at codon 1169 of the FANCI protein (p.Met1169Leu). The methionine residue is weakly conserved and there is a small physicochemical difference between methionine and leucine. This variant is not present in population databases (ExAC no frequency). This variant has not been reported in the literature in individuals with FANCI-related conditions. Algorithms developed to predict the effect of missense changes on protein structure and function (SIFT, PolyPhen-2, Align-GVGD) all suggest that this variant is likely to be tolerated, but these predictions have not been confirmed by published functional studies and their clinical significance is uncertain.

NM_001113378.2(FANCI):c.3505A>T (p.Met1169Leu)

Gene: FANCI (FA complementation group I; plus strand). Cytogenetic location: 15q26.1.
Variant type: single nucleotide variant.
Coding change: c.3505A>T on transcript NM_001113378.2 (MANE Select); coding-DNA position 3505, A replaced by T.
Protein change: p.Met1169Leu; replaces methionine 1169 with leucine.
Molecular consequence: missense variant.
Genome position (GRCh38, 1-based): chr15:89,306,162, A>T. VCF-style: chr15-89306162-A-T. GRCh37 (hg19) VCF-style: chr15-89849393-A-T.
Other names: c.3226A>T, p.Met1076Leu (NM_001376910.1); c.3505A>T, p.Met1169Leu (NM_001376911.1); c.3325A>T, p.Met1109Leu (NM_018193.3); short protein forms M1109L, M1169L, M1076L.
Identifiers: ClinVar variation 665796 (VCV000665796.10), dbSNP rs757606290, ClinGen allele CA393740665.
Genomic context (GRCh38, chr15:89,306,162, plus strand): 5'-GTGCAGACAGCTCTGCCATCAGGCAGCTGTGTGGACACCTTGTTAAAGGACTTGTGCAAA[A>T]TGTACACCACACTTACAGCCCTTGTCAGATATGTGAGTATTTGAGACAAGCAGATTCGCC-3'
Protein context (NP_001106849.1, residues 1159-1179): VDTLLKDLCK[Met1169Leu]YTTLTALVRY